The following is an entry in ClinVar:

ClinVar aggregate classification (germline): Uncertain significance (1 of 4 stars; one submission).

Conditions:
Spermatogenic failure 18. Identifiers: MedGen C4539783, MONDO:0054615, OMIM 617576.
Ciliary dyskinesia, primary, 37 (CILD37). Also called: CILIARY DYSKINESIA, PRIMARY, 37, WITH OR WITHOUT SITUS INVERSUS. Identifiers: MedGen C4539798, MONDO:0033204, OMIM 617577.

Allele frequency attached by ClinVar (database versions not stated): gnomAD 0.00001; gnomAD exomes 0.00001 and 0.00002; ExAC 0.00002.
gnomAD v4.1: 18 of 1,595,102 alleles (0.0011%); highest among the groups gnomAD compares: Middle Eastern, 0.017%; 1 homozygote.

Submission:

Labcorp Genetics (formerly Invitae), Labcorp
Classification: Uncertain significance for Ciliary dyskinesia, primary, 37; Spermatogenic failure 18. Last evaluated: 2019-11-07. Review status: criteria provided, single submitter. Criteria: Invitae Variant Classification Sherloc (09022015). Collection method: clinical testing. Allele origin: germline.
Comment: This variant has not been reported in the literature in individuals with DNAH1-related conditions. This variant is present in population databases (rs745428356, ExAC 0.009%). This sequence change affects codon 111 of the DNAH1 mRNA. It is a 'silent' change, meaning that it does not change the encoded amino acid sequence of the DNAH1 protein. This variant also falls at the last nucleotide of exon 2 of the DNAH1 coding sequence, which is part of the consensus splice site for this exon. Nucleotide substitutions within the consensus splice site are a relatively common cause of aberrant splicing (PMID: 17576681, 9536098). Algorithms developed to predict the effect of sequence changes on RNA splicing suggest that this variant may disrupt the consensus splice site, but this prediction has not been confirmed by published transcriptional studies. In summary, the available evidence is currently insufficient to determine the role of this variant in disease. Therefore, it has been classified as a Variant of Uncertain Significance.

Literature cited by the submitters: PubMed 17576681; PubMed 9536098.

NM_015512.5(DNAH1):c.333G>A (p.Gly111=)

Gene: DNAH1 (dynein axonemal heavy chain 1; plus strand). Cytogenetic location: 3p21.1.
Variant type: single nucleotide variant.
Coding change: c.333G>A on transcript NM_015512.5 (MANE Select); coding-DNA position 333, G replaced by A.
Protein change: p.Gly111=; no amino-acid change (glycine 111 retained).
Molecular consequence: synonymous variant.
Genome position (GRCh38, 1-based): chr3:52,322,775, G>A. VCF-style: chr3-52322775-G-A. GRCh37 (hg19) VCF-style: chr3-52356791-G-A.
Identifiers: ClinVar variation 961559 (VCV000961559.7), dbSNP rs745428356, ClinGen allele CA2432595.